The following is an entry in ClinVar:

ClinVar aggregate classification (germline): Likely benign. Review status: criteria provided, multiple submitters, no conflicts (2 of 4 stars). 2 submissions from 2 submitters: Likely benign (2). Last evaluated 2025-07-01.

Conditions:
Hereditary spastic paraplegia 30. Identifiers: Orphanet 101010, MedGen C5235139, MONDO:0012476.
Neuropathy, hereditary sensory, type 2C. Also called: Hereditary sensory and autonomic neuropathy type IIC; KIF1A-Related HSAN2 (HSAN2C). Identifiers: Orphanet 970, MedGen C3280168, MONDO:0013634, OMIM 614213.
Intellectual disability, autosomal dominant 9 (NESCAVS). Also called: KIF1A-Related Neurodevelopmental Disorder; NESCAV SYNDROME. Identifiers: Orphanet 662367, MedGen C5393830, MONDO:0013656, OMIM 614255.

Allele frequency attached by ClinVar (database versions not stated): gnomAD exomes 0.00003 and 0.00004; TOPMed 0.00003; ExAC 0.00004; gnomAD 0.00005.
gnomAD v4.1: 54 of 1,610,404 alleles (0.0034%); highest among the groups gnomAD compares: South Asian, 0.034%; no homozygotes.

Submissions (2):

CeGaT Center for Human Genetics Tuebingen
Classification: Likely benign. Last evaluated: 2025-07-01. Review status: criteria provided, single submitter. Criteria: CeGaT Center For Human Genetics Tuebingen Variant Classification Criteria Version 2. Collection method: clinical testing. Allele origin: germline. Affected: yes. Observed: 1 variant allele.
Comment: KIF1A: BP4, BP7

Labcorp Genetics (formerly Invitae), Labcorp
Classification: Likely benign for Hereditary spastic paraplegia 30; Neuropathy, hereditary sensory, type 2C; Intellectual disability, autosomal dominant 9. Last evaluated: 2024-05-29. Review status: criteria provided, single submitter. Criteria: Invitae Variant Classification Sherloc (09022015). Collection method: clinical testing. Allele origin: germline.

NM_001244008.2(KIF1A):c.1479C>T (p.Gly493=)

Gene: KIF1A (kinesin family member 1A; minus strand). Cytogenetic location: 2q37.3.
Variant type: single nucleotide variant.
Coding change: c.1479C>T on transcript NM_001244008.2 (MANE Select); coding-DNA position 1479, C replaced by T.
Protein change: p.Gly493=; no amino-acid change (glycine 493 retained).
Molecular consequence: synonymous variant.
Genome position (GRCh38, 1-based): chr2:240,769,151, G>A on the plus strand (C>T on the coding strand, the complement: KIF1A is on the minus strand). VCF-style: chr2-240769151-G-A. GRCh37 (hg19) VCF-style: chr2-241708568-G-A.
Other names: c.1479C>T, p.Gly493= (NM_001320705.2, NM_001330289.2, NM_001379638.1); c.1554C>T, p.Gly518= (NM_001330290.2, NM_001379631.1, NM_001379634.1 and 2 more transcripts); c.1452C>T, p.Gly484= (NM_001379632.1, NM_001379633.1, NM_001379636.1 and 10 more transcripts); c.1527C>T, p.Gly509= (NM_001379637.1, NM_001379648.1).
Identifiers: ClinVar variation 1580140 (VCV001580140.16), dbSNP rs753658374, ClinGen allele CA2208389.